The following is an entry in ClinVar:

ClinVar aggregate classification (germline): Benign/Likely benign. Review status: criteria provided, multiple submitters, no conflicts (2 of 4 stars). 5 submissions from 5 submitters: Benign (1); Likely benign (3). 1 of the submissions does not count toward it. Last evaluated 2026-01-20.

Conditions:
NOTCH3-related disorder. Also called: NOTCH3-related condition; NOTCH3-related disorders.

Allele frequency attached by ClinVar (database versions not stated): ExAC 0.00006; gnomAD exomes 0.00008; TOPMed 0.00009; gnomAD 0.00013 and 0.00014; 1000 Genomes Project 30x 0.00016; 1000 Genomes Project 0.00020.
gnomAD v4.1: 344 of 1,548,564 alleles (0.022%); highest among the groups gnomAD compares: Non-Finnish European, 0.029%; no homozygotes.

Submissions (5):

Labcorp Genetics (formerly Invitae), Labcorp
Classification: Likely benign. Last evaluated: 2026-01-20. Review status: criteria provided, single submitter. Criteria: Invitae Variant Classification Sherloc (09022015). Collection method: clinical testing. Allele origin: germline.

Blueprint Genetics
Classification: Likely benign. Last evaluated: 2024-01-18. Review status: criteria provided, single submitter. Criteria: ACMG Guidelines, 2015. Collection method: clinical testing. Allele origin: germline.

Women's Health and Genetics/Laboratory Corporation of America, LabCorp
Classification: Likely benign. Last evaluated: 2023-11-02. Review status: criteria provided, single submitter. Criteria: LabCorp Variant Classification Summary - May 2015. Collection method: clinical testing. Allele origin: germline.

Athena Diagnostics
Classification: Benign. Last evaluated: 2018-11-23. Review status: criteria provided, single submitter. Criteria: Athena Diagnostics Criteria. Collection method: clinical testing. Allele origin: germline.

PreventionGenetics, part of Exact Sciences
Classification: Likely benign for NOTCH3-related condition. Last evaluated: 2019-03-05. Review status: no assertion criteria provided. Collection method: clinical testing. Allele origin: germline. Not counted in ClinVar's aggregate classification.
Comment: This variant is classified as likely benign based on ACMG/AMP sequence variant interpretation guidelines (Richards et al. 2015 PMID: 25741868, with internal and published modifications).

Literature cited by the submitters: PubMed 22153900 (cited by Athena Diagnostics).

NM_000435.3(NOTCH3):c.4455C>T (p.Asp1485=)

Gene: NOTCH3 (notch receptor 3; minus strand). Cytogenetic location: 19p13.12.
Variant type: single nucleotide variant.
Coding change: c.4455C>T on transcript NM_000435.3 (MANE Select); coding-DNA position 4455, C replaced by T.
Protein change: p.Asp1485=; no amino-acid change (aspartic acid 1485 retained).
Molecular consequence: synonymous variant.
Genome position (GRCh38, 1-based): chr19:15,174,349, G>A on the plus strand (C>T on the coding strand, the complement: NOTCH3 is on the minus strand). VCF-style: chr19-15174349-G-A. GRCh37 (hg19) VCF-style: chr19-15285160-G-A.
Identifiers: ClinVar variation 804636 (VCV000804636.6), dbSNP rs552265898, ClinGen allele CA9262912.